The following is an entry in ClinVar:

NM_021930.6(RINT1):c.1260C>T (p.Gly420=)

Gene: RINT1 (RAD50 interactor 1; plus strand). Cytogenetic location: 7q22.3.
Variant type: single nucleotide variant.
Coding change: c.1260C>T on transcript NM_021930.6 (MANE Select); coding-DNA position 1260, C replaced by T.
Protein change: p.Gly420=; no amino-acid change (glycine 420 retained).
Molecular consequence: synonymous variant. On other transcripts: non-coding transcript variant (1).
Genome position (GRCh38, 1-based): chr7:105,550,413, C>T. VCF-style: chr7-105550413-C-T. GRCh37 (hg19) VCF-style: chr7-105190860-C-T.
Other names: c.1026C>T, p.Gly342= (NM_001346599.2); c.237C>T, p.Gly79= (NM_001346600.2, NM_001346603.2); c.336C>T, p.Gly112= (NM_001346601.2).
Identifiers: ClinVar variation 1946882 (VCV001946882.5), dbSNP rs751143026, ClinGen allele CA4426630.
Genomic context (GRCh38, chr7:105,550,413, plus strand): 5'-TTTGGTGGATGAAGTACTCTTGTTTGAAAGGGAGCTACACAGTGTTCATGGCTATCCTGG[C>T]ACTTTTGCTAGTTGTATGCATATTCTATCAGAGGAAACCTGTTTTCAGAGATGGTTGACG-3'
Protein context (NP_068749.3, residues 410-430): RELHSVHGYP[Gly420=]TFASCMHILS

ClinVar aggregate classification (germline): Uncertain significance (1 of 4 stars; one submission).

Allele frequency attached by ClinVar (database versions not stated): gnomAD exomes below 0.00001; ExAC 0.00001.
gnomAD v4.1: 1 of 1,614,116 alleles (0.000062%); highest among the groups gnomAD compares: South Asian, 0.0011%; no homozygotes.

Submission:

Labcorp Genetics (formerly Invitae), Labcorp
Classification: Uncertain significance. Last evaluated: 2022-06-15. Review status: criteria provided, single submitter. Criteria: Invitae Variant Classification Sherloc (09022015). Collection method: clinical testing. Allele origin: germline.
Comment: This sequence change affects codon 420 of the RINT1 mRNA. It is a 'silent' change, meaning that it does not change the encoded amino acid sequence of the RINT1 protein. This variant is present in population databases (rs751143026, gnomAD 0.003%). This variant has not been reported in the literature in individuals affected with RINT1-related conditions. Algorithms developed to predict the effect of sequence changes on RNA splicing suggest that this variant may create or strengthen a splice site. In summary, the available evidence is currently insufficient to determine the role of this variant in disease. Therefore, it has been classified as a Variant of Uncertain Significance.